The following is an entry in ClinVar:

ClinVar aggregate classification (germline): Uncertain significance (1 of 4 stars; one submission).

Submission:

GeneDx
Classification: Uncertain significance. Last evaluated: 2024-07-04. Review status: criteria provided, single submitter. Criteria: GeneDx Variant Classification Process June 2021. Collection method: clinical testing. Allele origin: germline. Affected: yes.
Comment: Not observed at significant frequency in large population cohorts (gnomAD); In silico analysis indicates that this missense variant does not alter protein structure/function; Has not been previously published as pathogenic or benign to our knowledge

NM_170606.3(KMT2C):c.241G>A (p.Val81Met)

Gene: KMT2C (lysine methyltransferase 2C; minus strand). Cytogenetic location: 7q36.1.
Variant type: single nucleotide variant.
Coding change: c.241G>A on transcript NM_170606.3 (MANE Select); coding-DNA position 241, G replaced by A.
Protein change: p.Val81Met; replaces valine 81 with methionine.
Molecular consequence: missense variant.
Genome position (GRCh38, 1-based): chr7:152,358,596, C>T on the plus strand (G>A on the coding strand, the complement: KMT2C is on the minus strand). VCF-style: chr7-152358596-C-T. GRCh37 (hg19) VCF-style: chr7-152055681-C-T.
Other names: short protein forms V81M.
Identifiers: ClinVar variation 3572645 (VCV003572645.1).